The following is an entry in ClinVar:

ClinVar aggregate classification (germline): Likely pathogenic (1 of 4 stars; one submission).

Conditions:
Bardet-Biedl syndrome 9 (BBS9). Identifiers: Orphanet 110, MedGen C1859567, MONDO:0014437, OMIM 615986.

Submission:

Diagnostics Services (NGS), CSIR - Centre For Cellular And Molecular Biology
Classification: Likely pathogenic for Bardet-Biedl syndrome 9. Last evaluated: 2023-01-10. Review status: criteria provided, single submitter. Criteria: ACMG Guidelines, 2015. Collection method: clinical testing. Allele origin: unknown. Affected: no. Observed: 1 variant allele, 1 heterozygote.
Comment: This variant is not present in publicly available population databases like 1000 Genomes, ExAC, EVS, gnomAD, Indian Exome Database or our in-house exome database. This variant is associated with a previous publication [PMID: 27486776] however not reported to any clinical databases like ClinVar, Human Genome Mutation Database (HGMD) or OMIM. In silico pathogenicity prediction programs like MutationTaster2, CADD, Varsome, Franklin, InterVar etc predicted this variant to be likely deleterious. This variant creates a premature translational stop signal at the 705th amino acid position of the transcript, which may either result in translation of a truncated protein or cause nonsense-mediated decay of the mRNA.

Literature cited by the submitters: PubMed 27486776.

NM_198428.3(BBS9):c.2113C>T (p.Gln705Ter)

Gene: BBS9 (Bardet-Biedl syndrome 9; plus strand). Cytogenetic location: 7p14.3.
Variant type: single nucleotide variant.
Coding change: c.2113C>T on transcript NM_198428.3 (MANE Select); coding-DNA position 2113, C replaced by T.
Protein change: p.Gln705Ter; replaces glutamine 705 with a stop codon.
Molecular consequence: nonsense. On other transcripts: non-coding transcript variant (3).
Genome position (GRCh38, 1-based): chr7:33,388,142, C>T. VCF-style: chr7-33388142-C-T. GRCh37 (hg19) VCF-style: chr7-33427754-C-T.
Other names: c.2008C>T, p.Gln670Ter (NM_001033604.2); c.2098C>T, p.Gln700Ter (NM_001033605.2); c.2113C>T, p.Gln705Ter (NM_001348036.1, NM_001348041.4, NM_001348043.3 and 3 more transcripts); c.1747C>T, p.Gln583Ter (NM_001348037.3, NM_001348045.3, NM_001348046.3); c.1840C>T, p.Gln614Ter (NM_001348038.3); c.1735C>T, p.Gln579Ter (NM_001348039.3); c.1993C>T, p.Gln665Ter (NM_001348040.3, NM_014451.4); c.1978C>T, p.Gln660Ter (NM_001348042.3); and 1 more; short protein forms Q548*, Q579*, Q583*, Q614*, Q660*, Q665*, Q670*, Q700*.
Identifiers: ClinVar variation 2413186 (VCV002413186.4), dbSNP rs2536370797, ClinGen allele CA367254425.